The following is an entry in ClinVar:

NM_000321.3(RB1):c.367A>G (p.Asn123Asp)

Gene: RB1 (RB transcriptional corepressor 1; plus strand). Cytogenetic location: 13q14.2.
Variant type: single nucleotide variant.
Coding change: c.367A>G on transcript NM_000321.3 (MANE Select); coding-DNA position 367, A replaced by G.
Protein change: p.Asn123Asp; replaces asparagine 123 with aspartic acid.
Molecular consequence: missense variant.
Genome position (GRCh38, 1-based): chr13:48,342,701, A>G. VCF-style: chr13-48342701-A-G. GRCh37 (hg19) VCF-style: chr13-48916837-A-G.
Other names: short protein forms N123D.
Identifiers: ClinVar variation 458167 (VCV000458167.24), dbSNP rs149800437, ClinGen allele CA037735.
Genomic context (GRCh38, chr13:48,342,701, plus strand): 5'-ATCTTTATTGCAGCAGTTGACCTAGATGAGATGTCGTTCACTTTTACTGAGCTACAGAAA[A>G]ACATAGAAATCAGGTAAAGTTTCTTGTATAAATATAAGCCTCTGCCATAAAAGGAAACGA-3'
Protein context (NP_000312.2, residues 113-133): MSFTFTELQK[Asn123Asp]IEISVHKFFN

ClinVar aggregate classification (germline): Conflicting classifications of pathogenicity. Review status: criteria provided, conflicting classifications (1 of 4 stars). 8 submissions from 8 submitters: Uncertain significance (1); Benign (3); Likely benign (4). Last evaluated 2026-06-18.

Conditions:
Hereditary cancer-predisposing syndrome. Also called: Neoplastic Syndromes, Hereditary; Hereditary Cancer Syndrome; Hereditary neoplastic syndrome; Tumor predisposition. Identifiers: Orphanet 140162, MedGen C0027672, MeSH D009386, MONDO:0015356.
Ovarian neoplasm. Also called: Ovarian tumor; Neoplasm of ovary; Ovarian Neoplasms. Identifiers: MedGen C0919267, MeSH D010051, MONDO:0021068, HP:0100615.
Retinoblastoma (RB1). Also called: RETINOBLASTOMA, SOMATIC. Identifiers: Orphanet 790, MedGen C0035335, MeSH D012175, MONDO:0008380, OMIM 180200, HP:0009919. Disease mechanism: loss of function. Inheritance: Both sporadic and heritable forms are tested..

Allele frequency attached by ClinVar (database versions not stated): ExAC 0.00007; gnomAD exomes 0.00009 and 0.00010; TOPMed 0.00009; gnomAD 0.00010 and 0.00011; ESP Exome Variant Server 0.00015.
gnomAD v4.1: 154 of 1,602,344 alleles (0.0096%); highest among the groups gnomAD compares: Middle Eastern, 0.017%; no homozygotes.

Submissions (8):

Myriad Genetics, Inc.
Classification: Likely benign for Retinoblastoma. Last evaluated: 2026-06-18. Review status: criteria provided, single submitter. Criteria: Myriad Autosomal Dominant, Autosomal Recessive and X-Linked Classification Criteria (2023). Collection method: clinical testing. Allele origin: unknown.
Comment: This variant is considered likely benign. This variant has been observed at a population frequency that is significantly greater than expected given the associated disease prevalence and penetrance.

Labcorp Genetics (formerly Invitae), Labcorp
Classification: Benign for Retinoblastoma. Last evaluated: 2026-01-13. Review status: criteria provided, single submitter. Criteria: Invitae Variant Classification Sherloc (09022015). Collection method: clinical testing. Allele origin: germline.

Blueprint Genetics
Classification: Likely benign. Last evaluated: 2024-10-22. Review status: criteria provided, single submitter. Criteria: ACMG Guidelines, 2015. Collection method: clinical testing. Allele origin: germline.

Color Diagnostics, LLC DBA Color Health
Classification: Likely benign for Retinoblastoma. Last evaluated: 2022-04-25. Review status: criteria provided, single submitter. Criteria: ACMG Guidelines, 2015. Collection method: clinical testing. Allele origin: germline.

Sema4
Classification: Benign for Hereditary cancer-predisposing syndrome. Last evaluated: 2021-01-13. Review status: criteria provided, single submitter. Criteria: Sema4 Curation Guidelines. Collection method: curation. Allele origin: germline.

Institute of Human Genetics, University of Leipzig Medical Center
Classification: Uncertain significance for Ovarian neoplasm. Last evaluated: 2019-01-01. Review status: criteria provided, single submitter. Criteria: ACMG Guidelines, 2015. Collection method: clinical testing. Allele origin: unknown. Affected: yes.

Ambry Genetics
Classification: Likely benign for Hereditary cancer-predisposing syndrome. Last evaluated: 2018-12-04. Review status: criteria provided, single submitter. Criteria: Ambry Variant Classification Scheme 2023. Collection method: clinical testing. Allele origin: germline.

Illumina Laboratory Services, Illumina
Classification: Benign for Retinoblastoma. Last evaluated: 2017-09-20. Review status: criteria provided, single submitter. Criteria: ICSL Variant Classification Criteria 13 December 2019. Collection method: clinical testing. Allele origin: germline.
Comment: This variant was observed as part of a predisposition screen in an ostensibly healthy population. A literature search was performed for the gene, cDNA change, and amino acid change (where applicable). No publications were found based on this search. Allele frequency data from public databases was too high to be consistent with this variant causing disease. Therefore, this variant is classified as benign.